The following is an entry in ClinVar:

ClinVar aggregate classification (germline): Conflicting classifications of pathogenicity. Review status: criteria provided, conflicting classifications (1 of 4 stars). 2 submissions from 2 submitters: Likely pathogenic (1); Uncertain significance (1). Last evaluated 2023-07-14.

Conditions:
Hyper-IgE recurrent infection syndrome 1, autosomal dominant. Also called: Job's Syndrome; Hyper-IgE recurrent infection syndrome 1; HYPER-IgE SYNDROME 1, AUTOSOMAL DOMINANT, WITH RECURRENT INFECTIONS; JOB SYNDROME; STAT3 Hyper IgE Syndrome. Identifiers: Orphanet 2314, MedGen C2936739, MONDO:0007818, OMIM 147060.
STAT3 gain of function. Identifiers: MedGen C4288261.

Submissions (2):

Labcorp Genetics (formerly Invitae), Labcorp
Classification: Uncertain significance for STAT3 gain of function; Hyper-IgE recurrent infection syndrome 1, autosomal dominant. Last evaluated: 2023-07-14. Review status: criteria provided, single submitter. Criteria: Invitae Variant Classification Sherloc (09022015). Collection method: clinical testing. Allele origin: germline.
Comment: This variant disrupts the p.Thr620 amino acid residue in STAT3. Other variant(s) that disrupt this residue have been determined to be pathogenic (PMID: 18602572, 23659370, 27091139). This suggests that this residue is clinically significant, and that variants that disrupt this residue are likely to be disease-causing. In summary, the available evidence is currently insufficient to determine the role of this variant in disease. Therefore, it has been classified as a Variant of Uncertain Significance. Advanced modeling of protein sequence and biophysical properties (such as structural, functional, and spatial information, amino acid conservation, physicochemical variation, residue mobility, and thermodynamic stability) performed at Invitae indicates that this missense variant is expected to disrupt STAT3 protein function. ClinVar contains an entry for this variant (Variation ID: 568201). This variant has not been reported in the literature in individuals affected with STAT3-related conditions. This variant is not present in population databases (gnomAD no frequency). This sequence change replaces threonine, which is neutral and polar, with isoleucine, which is neutral and non-polar, at codon 620 of the STAT3 protein (p.Thr620Ile).

Mendelics
Classification: Likely pathogenic for Hyper-IgE recurrent infection syndrome 1, autosomal dominant. Last evaluated: 2019-05-28. Review status: criteria provided, single submitter. Criteria: Mendelics Assertion Criteria 2017. Collection method: clinical testing. Allele origin: unknown.

Literature cited by the submitters: PubMed 18602572 (cited by Labcorp Genetics (formerly Invitae), Labcorp); PubMed 23659370 (cited by Labcorp Genetics (formerly Invitae), Labcorp); PubMed 27091139 (cited by Labcorp Genetics (formerly Invitae), Labcorp).

NM_139276.3(STAT3):c.1859C>T (p.Thr620Ile)

Gene: STAT3 (signal transducer and activator of transcription 3; minus strand). Cytogenetic location: 17q21.2.
Variant type: single nucleotide variant.
Coding change: c.1859C>T on transcript NM_139276.3 (MANE Select); coding-DNA position 1859, C replaced by T.
Protein change: p.Thr620Ile; replaces threonine 620 with isoleucine.
Molecular consequence: missense variant.
Genome position (GRCh38, 1-based): chr17:42,323,033, G>A on the plus strand (C>T on the coding strand, the complement: STAT3 is on the minus strand). VCF-style: chr17-42323033-G-A. GRCh37 (hg19) VCF-style: chr17-40475051-G-A.
Other names: c.1859C>T, p.Thr620Ile (NM_001369512.1, NM_001369513.1, NM_001369514.1 and 9 more transcripts); c.1775C>T, p.Thr592Ile (NM_001384984.1); c.1781C>T, p.Thr594Ile (NM_001384985.1); c.1874C>T, p.Thr625Ile (NM_001384986.1, NM_001384990.1); c.1838C>T, p.Thr613Ile (NM_001384987.1); c.1763C>T, p.Thr588Ile (NM_001384989.1); c.1832C>T, p.Thr611Ile (NM_001384991.1); c.1799C>T, p.Thr600Ile (NM_001384992.1); short protein forms T620I, T588I, T592I, T594I, T600I, T611I, T613I, T625I.
Identifiers: ClinVar variation 568201 (VCV000568201.5), dbSNP rs1567708034, ClinGen allele CA399582788.